The following is an entry in ClinVar:

NM_001063.4(TF):c.993G>A (p.Lys331=)

Gene: TF (transferrin; plus strand). Cytogenetic location: 3q22.1.
Variant type: single nucleotide variant.
Coding change: c.993G>A on transcript NM_001063.4 (MANE Select); coding-DNA position 993, G replaced by A.
Protein change: p.Lys331=; no amino-acid change (lysine 331 retained).
Molecular consequence: synonymous variant.
Genome position (GRCh38, 1-based): chr3:133,757,891, G>A. VCF-style: chr3-133757891-G-A. GRCh37 (hg19) VCF-style: chr3-133476735-G-A.
Other names: c.861G>A, p.Lys287= (NM_001354703.2); c.612G>A, p.Lys204= (NM_001354704.2).
Identifiers: ClinVar variation 784025 (VCV000784025.13), dbSNP rs140829783, ClinGen allele CA2625155.
Genomic context (GRCh38, chr3:133,757,891, plus strand): 5'-CCTGCTGTTTAAGGACTCTGCCCACGGGTTTTTAAAAGTCCCCCCCAGGATGGATGCCAA[G>A]ATGTACCTGGGCTATGAGTATGTCACTGCCATCCGGAATCTACGGGAAGGCACATGTGAG-3'
Protein context (NP_001054.2, residues 321-341): FLKVPPRMDA[Lys331=]MYLGYEYVTA

ClinVar aggregate classification (germline): Benign/Likely benign. Review status: criteria provided, multiple submitters, no conflicts (2 of 4 stars). 4 submissions from 4 submitters: Benign (1); Likely benign (3). Last evaluated 2026-01-26.

Conditions:
Atransferrinemia. Also called: Familial hypotransferrinemia. Identifiers: Orphanet 1195, MedGen C0521802, MONDO:0008846, OMIM 209300, HP:0012239.

Allele frequency attached by ClinVar (database versions not stated): gnomAD exomes 0.00086; ExAC 0.00104; gnomAD 0.00279 and 0.00299; ESP Exome Variant Server 0.00300; TOPMed 0.00342; 1000 Genomes Project 30x 0.00406; 1000 Genomes Project 0.00419.
gnomAD v4.1: 899 of 1,614,238 alleles (0.056%); highest among the groups gnomAD compares: African/African-American, 0.96%; 5 homozygotes.

Submissions (4):

Labcorp Genetics (formerly Invitae), Labcorp
Classification: Benign. Last evaluated: 2026-01-26. Review status: criteria provided, single submitter. Criteria: Invitae Variant Classification Sherloc (09022015). Collection method: clinical testing. Allele origin: germline.

Blueprint Genetics
Classification: Likely benign. Last evaluated: 2024-09-15. Review status: criteria provided, single submitter. Criteria: ACMG Guidelines, 2015. Collection method: clinical testing. Allele origin: germline.

Illumina Laboratory Services, Illumina
Classification: Likely benign for Atransferrinemia. Last evaluated: 2018-01-13. Review status: criteria provided, single submitter. Criteria: ICSL Variant Classification Criteria 13 December 2019. Collection method: clinical testing. Allele origin: germline.
Comment: This variant was observed in the ICSL laboratory as part of a predisposition screen in an ostensibly healthy population. It had not been previously curated by ICSL or reported in the Human Gene Mutation Database (HGMD: prior to June 1st, 2018), and was therefore a candidate for classification through an automated scoring system. Utilizing variant allele frequency, disease prevalence and penetrance estimates, and inheritance mode, an automated score was calculated to assess if this variant is too frequent to cause the disease. Based on the score and internal cut-off values, a variant classified as likely benign is not then subjected to further curation. The score for this variant resulted in a classification of likely benign for this disease.

Breakthrough Genomics
Classification: Likely benign. Review status: criteria provided, single submitter. Criteria: ACMG Guidelines, 2015. Collection method: not provided. Allele origin: germline. Inheritance: Autosomal recessive inheritance. Affected: yes.